The following is an entry in ClinVar:

ClinVar aggregate classification (germline): Likely benign (1 of 4 stars; one submission).

Submission:

CeGaT Center for Human Genetics Tuebingen
Classification: Likely benign. Last evaluated: 2023-10-01. Review status: criteria provided, single submitter. Criteria: CeGaT Center For Human Genetics Tuebingen Variant Classification Criteria Version 2. Collection method: clinical testing. Allele origin: germline. Affected: yes. Observed: 1 variant allele.
Comment: HYDIN: PM2:Supporting, BP4, BP7

NM_001270974.2(HYDIN):c.5841G>A (p.Arg1947=)

Gene: HYDIN (HYDIN axonemal central pair apparatus protein; minus strand). Cytogenetic location: 16q22.2.
Variant type: single nucleotide variant.
Coding change: c.5841G>A on transcript NM_001270974.2 (MANE Select); coding-DNA position 5841, G replaced by A.
Protein change: p.Arg1947=; no amino-acid change (arginine 1947 retained).
Molecular consequence: synonymous variant.
Genome position (GRCh38, 1-based): chr16:70,962,086, C>T on the plus strand (G>A on the coding strand, the complement: HYDIN is on the minus strand). VCF-style: chr16-70962086-C-T. GRCh37 (hg19) VCF-style: chr16-70995989-C-T.
Identifiers: ClinVar variation 2646765 (VCV002646765.24), dbSNP rs2507131233, ClinGen allele CA496247944.